The following is an entry in ClinVar:

ClinVar aggregate classification (germline): Uncertain significance. Review status: criteria provided, multiple submitters, no conflicts (2 of 4 stars). 8 submissions from 8 submitters: Uncertain significance (7). 1 of the submissions does not count toward it. Last evaluated 2025-11-18.

Conditions:
Hereditary cancer-predisposing syndrome. Also called: Hereditary neoplastic syndrome; Neoplastic Syndromes, Hereditary; Tumor predisposition; Hereditary Cancer Syndrome. Identifiers: Orphanet 140162, MedGen C0027672, MeSH D009386, MONDO:0015356.
Fanconi anemia complementation group J. Also called: BRIP1-Related Fanconi Anemia. Identifiers: Orphanet 84, MedGen C1836860, MONDO:0012187, OMIM 609054.
Familial cancer of breast. Also called: BREAST CANCER, FAMILIAL; Hereditary breast cancer; hereditary breast carcinoma. Identifiers: Orphanet 227535, MedGen C0346153, MONDO:0016419, OMIM 114480. Disease mechanism: loss of function.
Hereditary breast ovarian cancer syndrome. Also called: Hereditary breast and ovarian cancer syndrome (HBOC); Breast and ovarian cancer; Hereditary breast and ovarian cancer syndrome; Hereditary breast and ovarian cancer; Hereditary breast and/or ovarian cancer syndrome; BRCA1- and BRCA2-Associated Hereditary Breast and Ovarian Cancer. Identifiers: Orphanet 145, MedGen C0677776, MeSH D061325, MONDO:0003582. Disease mechanism: loss of function.

Allele frequency attached by ClinVar (database versions not stated): TOPMed below 0.00001.
gnomAD v4.1: 7 of 1,607,916 alleles (0.00044%); highest among the groups gnomAD compares: East Asian, 0.016%; no homozygotes.

Submissions (8):

Labcorp Genetics (formerly Invitae), Labcorp
Classification: Uncertain significance for Familial cancer of breast; Fanconi anemia complementation group J. Last evaluated: 2025-11-18. Review status: criteria provided, single submitter. Criteria: Invitae Variant Classification Sherloc (09022015). Collection method: clinical testing. Allele origin: germline.
Comment: This sequence change replaces methionine, which is neutral and non-polar, with isoleucine, which is neutral and non-polar, at codon 29 of the BRIP1 protein (p.Met29Ile). This variant is not present in population databases (gnomAD no frequency). This missense change has been observed in individual(s) with prostate cancer (PMID: 31214711). ClinVar contains an entry for this variant (Variation ID: 483161). Invitae Evidence Modeling of protein sequence and biophysical properties (such as structural, functional, and spatial information, amino acid conservation, physicochemical variation, residue mobility, and thermodynamic stability) has been performed for this missense variant. However, the output from this modeling did not meet the statistical confidence thresholds required to predict the impact of this variant on BRIP1 protein function. In summary, the available evidence is currently insufficient to determine the role of this variant in disease. Therefore, it has been classified as a Variant of Uncertain Significance.

Ambry Genetics
Classification: Uncertain significance for Hereditary cancer-predisposing syndrome. Last evaluated: 2025-05-14. Review status: criteria provided, single submitter. Criteria: Ambry Variant Classification Scheme 2023. Collection method: clinical testing. Allele origin: germline.
Comment: The p.M29I variant (also known as c.87G>T), located in coding exon 1 of the BRIP1 gene, results from a G to T substitution at nucleotide position 87. The methionine at codon 29 is replaced by isoleucine, an amino acid with highly similar properties. This variant was identified in prostate and pancreatic cancer patients, as well as, controls of Japanese ancestry (Momozawa Y et al. J Natl Cancer Inst, 2020 Apr;112:369-376; Mizukami K et al. EBioMedicine, 2020 Oct;60:103033). This amino acid position is highly conserved in available vertebrate species. In addition, the in silico prediction for this alteration is inconclusive. Based on the available evidence, the clinical significance of this variant remains unclear.

Baylor Genetics
Classification: Uncertain significance for Familial cancer of breast. Last evaluated: 2023-12-17. Review status: criteria provided, single submitter. Criteria: ACMG Guidelines, 2015. Collection method: clinical testing. Allele origin: unknown.

GeneDx
Classification: Uncertain significance. Last evaluated: 2023-05-08. Review status: criteria provided, single submitter. Criteria: GeneDx Variant Classification Process June 2021. Collection method: clinical testing. Allele origin: germline. Affected: yes.
Comment: Not observed at significant frequency in large population cohorts (gnomAD); In silico analysis supports that this missense variant has a deleterious effect on protein structure/function; This variant is associated with the following publications: (PMID: 31214711, 32980694)

Sema4
Classification: Uncertain significance for Hereditary cancer-predisposing syndrome. Last evaluated: 2021-12-10. Review status: criteria provided, single submitter. Criteria: Sema4 Curation Guidelines. Collection method: curation. Allele origin: germline.
Comment: The BRIP1 c.87G>T (p.M29I) variant has been reported in individuals with pancreatic cancer, prostate cancer as well as in controls (PMID: 32980694, 31214711). It was not observed in the large and broad cohorts of the Genome Aggregation Database (PMID: 32461654). The variant has been reported in ClinVar (Variation ID 483161). Functional studies have not been performed, and in silico predictions of the variant's effect on protein function are inconclusive. The evidence is insufficient to meet ACMG/AMP criteria for classifying the variant as benign or pathogenic. Thus, the clinical significance of this variant is currently uncertain.

Cancer Genomics Group, Japanese Foundation For Cancer Research
Classification: Uncertain significance for Hereditary breast and ovarian cancer syndrome. Last evaluated: 2019-05-01. Review status: criteria provided, single submitter. Criteria: ACMG Guidelines, 2015. Collection method: research. Allele origin: germline. Affected: yes.

Color Diagnostics, LLC DBA Color Health
Classification: Uncertain significance for Hereditary cancer-predisposing syndrome. Last evaluated: 2018-12-30. Review status: criteria provided, single submitter. Criteria: ACMG Guidelines, 2015. Collection method: clinical testing. Allele origin: germline.

Leiden Open Variation Database
Classification: Uncertain significance. Last evaluated: 2019-08-13. Review status: no assertion criteria provided. Collection method: curation. Allele origin: germline. Affected: yes. Not counted in ClinVar's aggregate classification.
Comment: Curator: Arleen D. Auerbach. Submitter to LOVD: Yukihide Momozawa.

Literature cited by the submitters: PubMed 31214711 (cited by 4 submitters); PubMed 32980694 (cited by Ambry Genetics and Sema4).

NM_032043.3(BRIP1):c.87G>T (p.Met29Ile)

Gene: BRIP1 (BRCA1 interacting DNA helicase 1; minus strand). Cytogenetic location: 17q23.2.
Variant type: single nucleotide variant.
Coding change: c.87G>T on transcript NM_032043.3 (MANE Select); coding-DNA position 87, G replaced by T.
Protein change: p.Met29Ile; replaces methionine 29 with isoleucine.
Molecular consequence: missense variant.
Genome position (GRCh38, 1-based): chr17:61,861,453, C>A on the plus strand (G>T on the coding strand, the complement: BRIP1 is on the minus strand). VCF-style: chr17-61861453-C-A. GRCh37 (hg19) VCF-style: chr17-59938814-C-A.
Other names: short protein forms M29I.
Identifiers: ClinVar variation 483161 (VCV000483161.26), dbSNP rs769585673, ClinGen allele CA400485907.